The following is an entry in ClinVar:

NM_032119.4(ADGRV1):c.18283G>A (p.Val6095Ile)

Gene: ADGRV1 (adhesion G protein-coupled receptor V1; plus strand). Cytogenetic location: 5q14.3.
Variant type: single nucleotide variant.
Coding change: c.18283G>A on transcript NM_032119.4 (MANE Select); coding-DNA position 18283, G replaced by A.
Protein change: p.Val6095Ile; replaces valine 6095 with isoleucine.
Molecular consequence: missense variant. On other transcripts: non-coding transcript variant (1).
Genome position (GRCh38, 1-based): chr5:91,072,577, G>A. VCF-style: chr5-91072577-G-A. GRCh37 (hg19) VCF-style: chr5-90368394-G-A.
Other names: short protein forms V6095I.
Identifiers: ClinVar variation 1899679 (VCV001899679.2), dbSNP rs1277615794, ClinGen allele CA360431911.

ClinVar aggregate classification (germline): Uncertain significance (1 of 4 stars; one submission).

Allele frequency attached by ClinVar (database versions not stated): gnomAD exomes below 0.00001.
gnomAD v4.1: 2 of 1,613,778 alleles (0.00012%); highest among the groups gnomAD compares: Non-Finnish European, 0.00017%; no homozygotes.

Submission:

Labcorp Genetics (formerly Invitae), Labcorp
Classification: Uncertain significance. Last evaluated: 2022-05-27. Review status: criteria provided, single submitter. Criteria: Invitae Variant Classification Sherloc (09022015). Collection method: clinical testing. Allele origin: germline.
Comment: This sequence change replaces valine, which is neutral and non-polar, with isoleucine, which is neutral and non-polar, at codon 6095 of the ADGRV1 protein (p.Val6095Ile). This variant is present in population databases (no rsID available, gnomAD 0.0009%). This variant has not been reported in the literature in individuals affected with ADGRV1-related conditions. Algorithms developed to predict the effect of missense changes on protein structure and function output the following: SIFT: "Tolerated"; PolyPhen-2: "Possibly Damaging"; Align-GVGD: "Class C0". The isoleucine amino acid residue is found in multiple mammalian species, which suggests that this missense change does not adversely affect protein function. In summary, the available evidence is currently insufficient to determine the role of this variant in disease. Therefore, it has been classified as a Variant of Uncertain Significance.